The following is an entry in ClinVar:

ClinVar aggregate classification (germline): Uncertain significance (1 of 4 stars; one submission).

Conditions:
Hereditary pancreatitis (PCTT). Also called: Hereditary chronic pancreatitis; PRSS1-Related Hereditary Pancreatitis. Identifiers: Orphanet 676, MedGen C0238339, MONDO:0008185, OMIM 167800.

Submission:

Ambry Genetics
Classification: Uncertain significance for Hereditary pancreatitis. Last evaluated: 2025-07-09. Review status: criteria provided, single submitter. Criteria: Ambry Variant Classification Scheme 2023. Collection method: clinical testing. Allele origin: germline.
Comment: The p.G260S variant (also known as c.778G>A), located in coding exon 7 of the CPA1 gene, results from a G to A substitution at nucleotide position 778. The glycine at codon 260 is replaced by serine, an amino acid with similar properties. This amino acid position is conserved. In addition, this alteration is predicted to be tolerated by in silico analysis. Based on the available evidence, the clinical significance of this variant remains unclear.

NM_001868.4(CPA1):c.778G>A (p.Gly260Ser)

Gene: CPA1 (carboxypeptidase A1; plus strand). Cytogenetic location: 7q32.2.
Variant type: single nucleotide variant.
Coding change: c.778G>A on transcript NM_001868.4 (MANE Select); coding-DNA position 778, G replaced by A.
Protein change: p.Gly260Ser; replaces glycine 260 with serine.
Molecular consequence: missense variant.
Genome position (GRCh38, 1-based): chr7:130,384,617, G>A. VCF-style: chr7-130384617-G-A. GRCh37 (hg19) VCF-style: chr7-130024458-G-A.
Other names: short protein forms G260S.
Identifiers: ClinVar variation 4233087 (VCV004233087.1).